The following is an entry in ClinVar:

NM_177438.3(DICER1):c.1862G>C (p.Gly621Ala)

Gene: DICER1 (dicer 1, ribonuclease III; minus strand). Cytogenetic location: 14q32.13.
Variant type: single nucleotide variant.
Coding change: c.1862G>C on transcript NM_177438.3 (MANE Select); coding-DNA position 1862, G replaced by C.
Protein change: p.Gly621Ala; replaces glycine 621 with alanine.
Molecular consequence: missense variant. On other transcripts: non-coding transcript variant (6).
Genome position (GRCh38, 1-based): chr14:95,115,712, C>G on the plus strand (G>C on the coding strand, the complement: DICER1 is on the minus strand). VCF-style: chr14-95115712-C-G. GRCh37 (hg19) VCF-style: chr14-95582049-C-G.
Other names: c.1862G>C, p.Gly621Ala (NM_001195573.1, NM_001271282.3, NM_001291628.2 and 13 more transcripts); c.1580G>C, p.Gly527Ala (NM_001395686.1); c.1457G>C, p.Gly486Ala (NM_001395687.1, NM_001395688.1, NM_001395689.1 and 3 more transcripts); c.1295G>C, p.Gly432Ala (NM_001395691.1); c.179G>C, p.Gly60Ala (NM_001395697.1); short protein forms G432A, G486A, G60A, G527A, G621A.
Identifiers: ClinVar variation 1781528 (VCV001781528.2), dbSNP rs1369399401, ClinGen allele CA390883965.

ClinVar aggregate classification (germline): Uncertain significance (1 of 4 stars; one submission).

Conditions:
Hereditary cancer-predisposing syndrome. Also called: Neoplastic Syndromes, Hereditary; Tumor predisposition; Hereditary Cancer Syndrome; Hereditary neoplastic syndrome. Identifiers: Orphanet 140162, MedGen C0027672, MeSH D009386, MONDO:0015356.

Allele frequency attached by ClinVar (database versions not stated): TOPMed below 0.00001; gnomAD 0.00001.
gnomAD v4.1: 1 of 1,614,014 alleles (0.000062%); highest among the groups gnomAD compares: Non-Finnish European, 0.000085%; no homozygotes.

Submission:

Ambry Genetics
Classification: Uncertain significance for Hereditary cancer-predisposing syndrome. Last evaluated: 2022-09-12. Review status: criteria provided, single submitter. Criteria: Ambry Variant Classification Scheme 2023. Collection method: clinical testing. Allele origin: germline.
Comment: The p.G621A variant (also known as c.1862G>C), located in coding exon 10 of the DICER1 gene, results from a G to C substitution at nucleotide position 1862. The glycine at codon 621 is replaced by alanine, an amino acid with similar properties. This amino acid position is conserved. In addition, this alteration is predicted to be tolerated by in silico analysis. Since supporting evidence is limited at this time, the clinical significance of this alteration remains unclear.